The following is an entry in ClinVar:

ClinVar aggregate classification (germline): Uncertain significance. Review status: criteria provided, multiple submitters, no conflicts (2 of 4 stars). 2 submissions from 2 submitters: Uncertain significance (2). Last evaluated 2023-07-21.

Conditions:
Multiple sulfatase deficiency (MSD). Also called: Multiple Sulfatase Deficiency Disease; Sulfatidosis, Juvenile, Austin Type; Mucosulfatidosis. Identifiers: Orphanet 585, MedGen C0268263, MONDO:0010088, OMIM 272200.

Allele frequency attached by ClinVar (database versions not stated): gnomAD 0.00001; TOPMed 0.00002.
gnomAD v4.1: 3 of 1,613,926 alleles (0.00019%); highest among the groups gnomAD compares: African/African-American, 0.0027%; no homozygotes.

Submissions (2):

Mayo Clinic Laboratories, Mayo Clinic
Classification: Uncertain significance. Last evaluated: 2023-07-21. Review status: criteria provided, single submitter. Criteria: ACMG Guidelines, 2015. Collection method: clinical testing. Allele origin: germline. Observed: 1 variant allele.
Comment: PM2_moderate

Labcorp Genetics (formerly Invitae), Labcorp
Classification: Uncertain significance for Multiple sulfatase deficiency. Last evaluated: 2022-07-09. Review status: criteria provided, single submitter. Criteria: Invitae Variant Classification Sherloc (09022015). Collection method: clinical testing. Allele origin: germline.
Comment: This sequence change replaces glycine, which is neutral and non-polar, with cysteine, which is neutral and slightly polar, at codon 288 of the SUMF1 protein (p.Gly288Cys). This variant is not present in population databases (gnomAD no frequency). This variant has not been reported in the literature in individuals affected with SUMF1-related conditions. Algorithms developed to predict the effect of missense changes on protein structure and function are either unavailable or do not agree on the potential impact of this missense change (SIFT: "Tolerated"; PolyPhen-2: "Probably Damaging"; Align-GVGD: "Class C15"). In summary, the available evidence is currently insufficient to determine the role of this variant in disease. Therefore, it has been classified as a Variant of Uncertain Significance.

NM_182760.4(SUMF1):c.862G>T (p.Gly288Cys)

Gene: SUMF1 (sulfatase modifying factor 1; minus strand). Cytogenetic location: 3p26.1.
Variant type: single nucleotide variant.
Coding change: c.862G>T on transcript NM_182760.4 (MANE Select); coding-DNA position 862, G replaced by T.
Protein change: p.Gly288Cys; replaces glycine 288 with cysteine.
Molecular consequence: missense variant.
Genome position (GRCh38, 1-based): chr3:4,410,957, C>A on the plus strand (G>T on the coding strand, the complement: SUMF1 is on the minus strand). VCF-style: chr3-4410957-C-A. GRCh37 (hg19) VCF-style: chr3-4452641-C-A.
Other names: p.Gly288Cys; c.787G>T, p.Gly263Cys (NM_001164674.2); c.862G>T, p.Gly288Cys (NM_001164675.2); short protein forms G263C, G288C.
Identifiers: ClinVar variation 2178383 (VCV002178383.2), dbSNP rs1011915406, ClinGen allele CA68797361.
Genomic context (GRCh38, chr3:4,410,957, plus strand): 5'-CAGTCCACCAGTCTGAAGTCCATTCCCATGCGTTCCCCACTATGTTGTATAAGCCATAAC[C>A]ATTGGGAGGGAAGGCATCAACCTAAAAACAAAGACAGGAAAAATGCTGTCAAACTATTCA-3'
Protein context (NP_877437.2, residues 278-298): TAPVDAFPPN[Gly288Cys]YGLYNIVGNA